The following is an entry in ClinVar:

ClinVar aggregate classification (germline): Uncertain significance (1 of 4 stars; one submission).

Conditions:
Early-infantile DEE. Also called: Early infantile epileptic encephalopathy; Early infantile epileptic encephalopathy with suppression bursts; Ohtahara syndrome. Identifiers: Orphanet 1934, MedGen C0393706, MONDO:0800491.

gnomAD v4.1: 2 of 1,519,212 alleles (0.00013%); highest among the groups gnomAD compares: Non-Finnish European, 0.00018%; no homozygotes.

Submission:

Labcorp Genetics (formerly Invitae), Labcorp
Classification: Uncertain significance for Early-infantile DEE. Last evaluated: 2025-04-09. Review status: criteria provided, single submitter. Criteria: Invitae Variant Classification Sherloc (09022015). Collection method: clinical testing. Allele origin: germline.
Comment: This sequence change replaces glycine, which is neutral and non-polar, with valine, which is neutral and non-polar, at codon 737 of the KCNQ2 protein (p.Gly737Val). This variant is not present in population databases (gnomAD no frequency). This variant has not been reported in the literature in individuals affected with KCNQ2-related conditions. Invitae Evidence Modeling of protein sequence and biophysical properties (such as structural, functional, and spatial information, amino acid conservation, physicochemical variation, residue mobility, and thermodynamic stability) indicates that this missense variant is expected to disrupt KCNQ2 protein function with a positive predictive value of 80%. In summary, the available evidence is currently insufficient to determine the role of this variant in disease. Therefore, it has been classified as a Variant of Uncertain Significance.

NM_172107.4(KCNQ2):c.2210G>T (p.Gly737Val)

Gene: KCNQ2 (potassium voltage-gated channel subfamily Q member 2; minus strand). Cytogenetic location: 20q13.33.
Variant type: single nucleotide variant.
Coding change: c.2210G>T on transcript NM_172107.4 (MANE Select); coding-DNA position 2210, G replaced by T.
Protein change: p.Gly737Val; replaces glycine 737 with valine.
Molecular consequence: missense variant.
Genome position (GRCh38, 1-based): chr20:63,407,053, C>A on the plus strand (G>T on the coding strand, the complement: KCNQ2 is on the minus strand). VCF-style: chr20-63407053-C-A. GRCh37 (hg19) VCF-style: chr20-62038406-C-A.
Other names: c.2264G>T, p.Gly755Val (NM_001382235.1); c.2153G>T, p.Gly718Val (NM_001439003.1); c.2123G>T, p.Gly708Val (NM_001439004.1); c.2126G>T, p.Gly709Val (NM_004518.6); c.2156G>T, p.Gly719Val (NM_172106.3); c.2117G>T, p.Gly706Val (NM_172108.5); short protein forms G706V, G709V, G755V, G708V, G719V, G718V, G737V.
Identifiers: ClinVar variation 4738446 (VCV004738446.1).